The following is an entry in ClinVar:

NM_015656.2(KIF26A):c.5344C>T (p.Arg1782Trp)

Gene: KIF26A (kinesin family member 26A; plus strand). Cytogenetic location: 14q32.33.
Variant type: single nucleotide variant.
Coding change: c.5344C>T on transcript NM_015656.2 (MANE Select); coding-DNA position 5344, C replaced by T.
Protein change: p.Arg1782Trp; replaces arginine 1782 with tryptophan.
Molecular consequence: missense variant.
Genome position (GRCh38, 1-based): chr14:104,179,263, C>T. VCF-style: chr14-104179263-C-T. GRCh37 (hg19) VCF-style: chr14-104645600-C-T.
Other names: short protein forms R1782W.
Identifiers: ClinVar variation 2592319 (VCV002592319.4), dbSNP rs376569326, ClinGen allele CA7371573.
Genomic context (GRCh38, chr14:104,179,263, plus strand): 5'-CATGCCTGAGCCCCCGCCCGCCCTGCCTCCCAGGGTCTGGCGTGCGTCAGTACAAGGCTG[C>T]GGCTGGCGGAGCGCAGGCAGCAGCGGCTGCGGGAGGTGCAGGCCAAGCACAAGCACCTGT-3'
Protein context (NP_056471.1, residues 1772-1792): QGLACVSTRL[Arg1782Trp]LAERRQQRLR

ClinVar aggregate classification (germline): Uncertain significance. Review status: criteria provided, multiple submitters, no conflicts (2 of 4 stars). 2 submissions from 2 submitters: Uncertain significance (2). Last evaluated 2025-08-29.

Allele frequency attached by ClinVar (database versions not stated): TOPMed 0.00004; gnomAD exomes 0.00005; gnomAD 0.00007; ESP Exome Variant Server 0.00009; 1000 Genomes Project 30x 0.00016; ExAC 0.00024.
gnomAD v4.1: 76 of 1,521,952 alleles (0.005%); highest among the groups gnomAD compares: Non-Finnish European, 0.0061%; no homozygotes.

Submissions (2):

Ambry Genetics
Classification: Uncertain significance. Last evaluated: 2025-08-29. Review status: criteria provided, single submitter. Criteria: Ambry Variant Classification Scheme 2023. Collection method: clinical testing. Allele origin: germline.

GeneDx
Classification: Uncertain significance. Last evaluated: 2024-08-08. Review status: criteria provided, single submitter. Criteria: GeneDx Variant Classification Process June 2021. Collection method: clinical testing. Allele origin: germline. Affected: yes.
Comment: In silico analysis supports that this missense variant has a deleterious effect on protein structure/function; Has not been previously published as pathogenic or benign to our knowledge